The following is an entry in ClinVar:

ClinVar aggregate classification (germline): Uncertain significance (1 of 4 stars; one submission).

Conditions:
Cardiovascular phenotype. Identifiers: MedGen CN230736.

Submission:

Ambry Genetics
Classification: Uncertain significance for Cardiovascular phenotype. Last evaluated: 2023-01-05. Review status: criteria provided, single submitter. Criteria: Ambry Variant Classification Scheme 2023. Collection method: clinical testing. Allele origin: germline.
Comment: The p.E1046Q variant (also known as c.3136G>C), located in coding exon 21 of the APOB gene, results from a G to C substitution at nucleotide position 3136. The glutamic acid at codon 1046 is replaced by glutamine, an amino acid with highly similar properties. This amino acid position is conserved. In addition, this alteration is predicted to be tolerated by in silico analysis. Since supporting evidence is limited at this time, the clinical significance of this alteration remains unclear.

NM_000384.3(APOB):c.3136G>C (p.Glu1046Gln)

Gene: APOB (apolipoprotein B; minus strand). Cytogenetic location: 2p24.1.
Variant type: single nucleotide variant.
Coding change: c.3136G>C on transcript NM_000384.3 (MANE Select); coding-DNA position 3136, G replaced by C.
Protein change: p.Glu1046Gln; replaces glutamic acid 1046 with glutamine.
Molecular consequence: missense variant.
Genome position (GRCh38, 1-based): chr2:21,016,635, C>G on the plus strand (G>C on the coding strand, the complement: APOB is on the minus strand). VCF-style: chr2-21016635-C-G. GRCh37 (hg19) VCF-style: chr2-21239507-C-G.
Other names: short protein forms E1046Q.
Identifiers: ClinVar variation 2451307 (VCV002451307.2), dbSNP rs905574070, ClinGen allele CA346009752.
Genomic context (GRCh38, chr2:21,016,635, plus strand): 5'-TTTGGACTTCACTGGACAAGGTCATACTCTGCCGATTATATTTGAATGTCATGGTAGCCT[C>G]AGTCTGCTTCGCACCTGGACGAGTGTATAAGAGAATCAAGAGATGTGTGGTAAGAAGCTA-3'
Protein context (NP_000375.3, residues 1036-1056): VTQAEGAKQT[Glu1046Gln]ATMTFKYNRQ